The following is an entry in ClinVar:

NM_000918.4(P4HB):c.1082C>G (p.Pro361Arg)

Gene: P4HB (prolyl 4-hydroxylase subunit beta; minus strand). Cytogenetic location: 17q25.3.
Variant type: single nucleotide variant.
Coding change: c.1082C>G on transcript NM_000918.4 (MANE Select); coding-DNA position 1082, C replaced by G.
Protein change: p.Pro361Arg; replaces proline 361 with arginine.
Molecular consequence: missense variant.
Genome position (GRCh38, 1-based): chr17:81,845,966, G>C on the plus strand (C>G on the coding strand, the complement: P4HB is on the minus strand). VCF-style: chr17-81845966-G-C. GRCh37 (hg19) VCF-style: chr17-79803842-G-C.
Other names: short protein forms P361R.
Identifiers: ClinVar variation 4695114 (VCV004695114.1).

ClinVar aggregate classification (germline): Uncertain significance (1 of 4 stars; one submission).

gnomAD v4.1: 8 of 1,611,050 alleles (0.0005%); highest among the groups gnomAD compares: African/African-American, 0.0094%; no homozygotes.

Submission:

Labcorp Genetics (formerly Invitae), Labcorp
Classification: Uncertain significance. Last evaluated: 2025-02-23. Review status: criteria provided, single submitter. Criteria: Invitae Variant Classification Sherloc (09022015). Collection method: clinical testing. Allele origin: germline.
Comment: This sequence change replaces proline, which is neutral and non-polar, with arginine, which is basic and polar, at codon 361 of the P4HB protein (p.Pro361Arg). This variant is present in population databases (rs780965978, gnomAD 0.01%). This variant has not been reported in the literature in individuals affected with P4HB-related conditions. Invitae Evidence Modeling of protein sequence and biophysical properties (such as structural, functional, and spatial information, amino acid conservation, physicochemical variation, residue mobility, and thermodynamic stability) indicates that this missense variant is expected to disrupt P4HB protein function with a positive predictive value of 80%. In summary, the available evidence is currently insufficient to determine the role of this variant in disease. Therefore, it has been classified as a Variant of Uncertain Significance.